The following is an entry in ClinVar:

NM_177438.3(DICER1):c.4907A>T (p.Asp1636Val)

Gene: DICER1 (dicer 1, ribonuclease III; minus strand). Cytogenetic location: 14q32.13.
Variant type: single nucleotide variant.
Coding change: c.4907A>T on transcript NM_177438.3 (MANE Select); coding-DNA position 4907, A replaced by T.
Protein change: p.Asp1636Val; replaces aspartic acid 1636 with valine.
Molecular consequence: missense variant. On other transcripts: non-coding transcript variant (6).
Genome position (GRCh38, 1-based): chr14:95,096,013, T>A on the plus strand (A>T on the coding strand, the complement: DICER1 is on the minus strand). VCF-style: chr14-95096013-T-A. GRCh37 (hg19) VCF-style: chr14-95562350-T-A.
Other names: c.4907A>T, p.Asp1636Val (NM_001195573.1, NM_001271282.3, NM_001291628.2 and 13 more transcripts); c.4625A>T, p.Asp1542Val (NM_001395686.1); c.4502A>T, p.Asp1501Val (NM_001395687.1, NM_001395688.1, NM_001395689.1 and 2 more transcripts); c.4340A>T, p.Asp1447Val (NM_001395691.1); c.3224A>T, p.Asp1075Val (NM_001395697.1); short protein forms D1447V, D1542V, D1636V, D1075V, D1501V.
Identifiers: ClinVar variation 2451698 (VCV002451698.2), dbSNP rs2542481065, ClinGen allele CA390866356.

ClinVar aggregate classification (germline): Uncertain significance (1 of 4 stars; one submission).

Conditions:
Hereditary cancer-predisposing syndrome. Also called: Neoplastic Syndromes, Hereditary; Tumor predisposition; Hereditary neoplastic syndrome; Hereditary Cancer Syndrome. Identifiers: Orphanet 140162, MedGen C0027672, MeSH D009386, MONDO:0015356.

Submission:

Ambry Genetics
Classification: Uncertain significance for Hereditary cancer-predisposing syndrome. Last evaluated: 2022-12-07. Review status: criteria provided, single submitter. Criteria: Ambry Variant Classification Scheme 2023. Collection method: clinical testing. Allele origin: germline.
Comment: The p.D1636V variant (also known as c.4907A>T), located in coding exon 22 of the DICER1 gene, results from an A to T substitution at nucleotide position 4907. The aspartic acid at codon 1636 is replaced by valine, an amino acid with highly dissimilar properties. This amino acid position is conserved. In addition, the in silico prediction for this alteration is inconclusive. Since supporting evidence is limited at this time, the clinical significance of this alteration remains unclear.